The following is an entry in ClinVar:

NM_001369268.1(ACAN):c.582C>T (p.Asp194=)

Gene: ACAN (aggrecan; plus strand). Cytogenetic location: 15q26.1.
Variant type: single nucleotide variant.
Coding change: c.582C>T on transcript NM_001369268.1 (MANE Select); coding-DNA position 582, C replaced by T.
Protein change: p.Asp194=; no amino-acid change (aspartic acid 194 retained).
Molecular consequence: synonymous variant.
Genome position (GRCh38, 1-based): chr15:88,840,139, C>T. VCF-style: chr15-88840139-C-T. GRCh37 (hg19) VCF-style: chr15-89383370-C-T.
Other names: c.582C>T, p.Asp194= (NM_001135.4, NM_013227.4).
Identifiers: ClinVar variation 782009 (VCV000782009.37), dbSNP rs375544241, ClinGen allele CA7719273.

ClinVar aggregate classification (germline): Benign/Likely benign. Review status: criteria provided, multiple submitters, no conflicts (2 of 4 stars). 5 submissions from 5 submitters: Benign (1); Likely benign (2). 2 of the submissions do not count toward it. Last evaluated 2026-01-06.

Allele frequency attached by ClinVar (database versions not stated): ESP Exome Variant Server 0.00055; gnomAD 0.00071 and 0.00102; TOPMed 0.00086; gnomAD exomes 0.00181; 1000 Genomes Project 0.00200; 1000 Genomes Project 30x 0.00234; ExAC 0.00295.
gnomAD v4.1: 1,961 of 1,605,930 alleles (0.12%); highest among the groups gnomAD compares: South Asian, 0.84%; 7 homozygotes.

Submissions (5):

Labcorp Genetics (formerly Invitae), Labcorp
Classification: Benign. Last evaluated: 2026-01-06. Review status: criteria provided, single submitter. Criteria: Invitae Variant Classification Sherloc (09022015). Collection method: clinical testing. Allele origin: germline.

Blueprint Genetics
Classification: Likely benign. Last evaluated: 2024-11-26. Review status: criteria provided, single submitter. Criteria: ACMG Guidelines, 2015. Collection method: clinical testing. Allele origin: germline.

CeGaT Center for Human Genetics Tuebingen
Classification: Likely benign. Last evaluated: 2023-07-01. Review status: criteria provided, single submitter. Criteria: CeGaT Center For Human Genetics Tuebingen Variant Classification Criteria Version 2. Collection method: clinical testing. Allele origin: germline. Affected: yes. Observed: 2 variant alleles.
Comment: ACAN: BP4, BP7, BS2

Joint Genome Diagnostic Labs from Nijmegen and Maastricht, Radboudumc and MUMC+
Classification: Benign. Review status: no assertion criteria provided. Collection method: clinical testing. Allele origin: germline. Affected: yes. Study: VKGL Data-share Consensus. Not counted in ClinVar's aggregate classification.

Laboratory of Diagnostic Genome Analysis, Leiden University Medical Center (LUMC)
Classification: Likely benign. Review status: no assertion criteria provided. Collection method: clinical testing. Allele origin: germline. Affected: yes. Study: VKGL Data-share Consensus. Not counted in ClinVar's aggregate classification.